The following is an entry in ClinVar:

NM_201253.3(CRB1):c.893G>C (p.Cys298Ser)

Gene: CRB1 (crumbs cell polarity complex component 1; plus strand). Cytogenetic location: 1q31.3.
Variant type: single nucleotide variant.
Coding change: c.893G>C on transcript NM_201253.3 (MANE Select); coding-DNA position 893, G replaced by C.
Protein change: p.Cys298Ser; replaces cysteine 298 with serine.
Molecular consequence: missense variant. On other transcripts: non-coding transcript variant (2), intron variant (1).
Genome position (GRCh38, 1-based): chr1:197,347,384, G>C. VCF-style: chr1-197347384-G-C. GRCh37 (hg19) VCF-style: chr1-197316514-G-C.
Other names: c.686G>C, p.Cys229Ser (NM_001257965.2); c.893G>C, p.Cys298Ser (NM_001257966.2); c.653-9447G>C (NM_001193640.2); short protein forms C229S, C298S.
Identifiers: ClinVar variation 1305394 (VCV001305394.2), dbSNP rs978443271, ClinGen allele CA36048739.

ClinVar aggregate classification (germline): Uncertain significance (1 of 4 stars; one submission).

Allele frequency attached by ClinVar (database versions not stated): gnomAD exomes below 0.00001; gnomAD 0.00003.

Submission:

GeneDx
Classification: Uncertain significance. Last evaluated: 2019-05-03. Review status: criteria provided, single submitter. Criteria: GeneDx Variant Classification Process June 2021. Collection method: clinical testing. Allele origin: germline. Affected: yes.
Comment: In silico analysis, which includes protein predictors and evolutionary conservation, supports a deleterious effect; Has not been previously published as pathogenic or benign to our knowledge